The following is an entry in ClinVar:

ClinVar aggregate classification (germline): Uncertain significance (1 of 4 stars; one submission).

Conditions:
Cardiovascular phenotype. Identifiers: MedGen CN230736.

Allele frequency attached by ClinVar (database versions not stated): gnomAD exomes below 0.00001; ExAC 0.00001; gnomAD 0.00001.
gnomAD v4.1: 3 of 1,613,928 alleles (0.00019%); highest among the groups gnomAD compares: African/African-American, 0.0027%; no homozygotes.

Submission:

Ambry Genetics
Classification: Uncertain significance for Cardiovascular phenotype. Last evaluated: 2020-01-15. Review status: criteria provided, single submitter. Criteria: Ambry Variant Classification Scheme 2023. Collection method: clinical testing. Allele origin: germline.
Comment: The p.T3079I variant (also known as c.9236C>T), located in coding exon 38 of the ANK2 gene, results from a C to T substitution at nucleotide position 9236. This exon is expressed solely in brain (Mohler PJ et al. Circulation. 2007;115(4):432-41). The threonine at codon 3079 is replaced by isoleucine, an amino acid with similar properties. This amino acid position is well conserved in available vertebrate species. In addition, this alteration is predicted to be deleterious by in silico analysis. Since supporting evidence is limited at this time, the clinical significance of this alteration remains unclear.

NM_001148.6(ANK2):c.9236C>T (p.Thr3079Ile)

Gene: ANK2 (ankyrin 2; plus strand). Cytogenetic location: 4q26.
Variant type: single nucleotide variant.
Coding change: c.9236C>T on transcript NM_001148.6 (MANE Select); coding-DNA position 9236, C replaced by T.
Protein change: p.Thr3079Ile; replaces threonine 3079 with isoleucine.
Molecular consequence: missense variant. On other transcripts: intron variant (68).
Genome position (GRCh38, 1-based): chr4:113,357,854, C>T. VCF-style: chr4-113357854-C-T. GRCh37 (hg19) VCF-style: chr4-114279010-C-T.
Other names: c.9002C>T, p.Thr3001Ile (NM_001386142.1); c.5636C>T, p.Thr1879Ile (NM_001386166.1); c.9377C>T, p.Thr3126Ile (NM_001386174.1); c.9353C>T, p.Thr3118Ile (NM_001386175.1); c.4412-2969C>T (NM_001386186.2, NM_001386148.2); c.4214-2969C>T (NM_001354269.3); c.4292-2969C>T (NM_001386187.2); c.4253-2969C>T (NM_001386147.1); and 35 more; short protein forms T3079I, T3118I, T1879I, T3001I, T3126I.
Identifiers: ClinVar variation 1766273 (VCV001766273.2), dbSNP rs781261146, ClinGen allele CA3051889.